The following is an entry in ClinVar:

NM_001046.3(SLC12A2):c.1207A>G (p.Ile403Val)

Gene: SLC12A2 (solute carrier family 12 member 2; plus strand). Cytogenetic location: 5q23.3.
Variant type: single nucleotide variant.
Coding change: c.1207A>G on transcript NM_001046.3 (MANE Select); coding-DNA position 1207, A replaced by G.
Protein change: p.Ile403Val; replaces isoleucine 403 with valine.
Molecular consequence: missense variant. On other transcripts: non-coding transcript variant (1).
Genome position (GRCh38, 1-based): chr5:128,134,183, A>G. VCF-style: chr5-128134183-A-G. GRCh37 (hg19) VCF-style: chr5-127469875-A-G.
Other names: c.1207A>G, p.Ile403Val (NM_001256461.2); short protein forms I403V.
Identifiers: ClinVar variation 1501731 (VCV001501731.4), dbSNP rs1315183940, ClinGen allele CA360742120.

ClinVar aggregate classification (germline): Uncertain significance (1 of 4 stars; one submission).

Allele frequency attached by ClinVar (database versions not stated): gnomAD exomes below 0.00001; TOPMed below 0.00001; gnomAD 0.00001.
gnomAD v4.1: 3 of 1,576,756 alleles (0.00019%); highest among the groups gnomAD compares: Non-Finnish European, 0.00026%; no homozygotes.

Submission:

Labcorp Genetics (formerly Invitae), Labcorp
Classification: Uncertain significance. Last evaluated: 2022-09-26. Review status: criteria provided, single submitter. Criteria: Invitae Variant Classification Sherloc (09022015). Collection method: clinical testing. Allele origin: germline.
Comment: In summary, the available evidence is currently insufficient to determine the role of this variant in disease. Therefore, it has been classified as a Variant of Uncertain Significance. Algorithms developed to predict the effect of sequence changes on RNA splicing suggest that this variant may create or strengthen a splice site. Advanced modeling of protein sequence and biophysical properties (such as structural, functional, and spatial information, amino acid conservation, physicochemical variation, residue mobility, and thermodynamic stability) performed at Invitae indicates that this missense variant is not expected to disrupt SLC12A2 protein function. ClinVar contains an entry for this variant (Variation ID: 1501731). This variant has not been reported in the literature in individuals affected with SLC12A2-related conditions. This variant is not present in population databases (gnomAD no frequency). This sequence change replaces isoleucine, which is neutral and non-polar, with valine, which is neutral and non-polar, at codon 403 of the SLC12A2 protein (p.Ile403Val).